The following is an entry in ClinVar:

NM_020745.4(AARS2):c.2368C>G (p.Arg790Gly)

Genes: AARS2 (alanyl-tRNA synthetase 2, mitochondrial; minus strand), POLR1C (RNA polymerase I and III subunit C; plus strand). Cytogenetic location: 6p21.1.
Variant type: single nucleotide variant.
Coding change: c.2368C>G on transcript NM_020745.4 (MANE Select); coding-DNA position 2368, C replaced by G.
Protein change: p.Arg790Gly; replaces arginine 790 with glycine.
Molecular consequence: missense variant.
Genome position (GRCh38, 1-based): chr6:44,302,510, G>C on the plus strand (C>G on the coding strand, the complement: AARS2 is on the minus strand). VCF-style: chr6-44302510-G-C. GRCh37 (hg19) VCF-style: chr6-44270247-G-C.
Other names: short protein forms R790G.
Identifiers: ClinVar variation 432641 (VCV000432641.2), dbSNP rs1480490090, ClinGen allele CA364337047.

ClinVar aggregate classification (germline): Uncertain significance (1 of 4 stars; one submission).

gnomAD v4.1: 1 of 1,613,956 alleles (0.000062%); highest among the groups gnomAD compares: Non-Finnish European, 0.000085%; no homozygotes.

Submission:

GeneDx
Classification: Uncertain significance. Last evaluated: 2017-06-07. Review status: criteria provided, single submitter. Criteria: GeneDx Variant Classification (06012015). Collection method: clinical testing. Allele origin: germline. Affected: yes.
Comment: The R790G variant in the AARS2 gene has not been reported previously as a pathogenic variant, nor as a benign variant, to our knowledge. The R790G variant is not observed in large population cohorts (Lek et al., 2016; 1000 Genomes Consortium et al., 2015; Exome Variant Server). The R790G variant is a non-conservative amino acid substitution, which is likely to impact secondary protein structure as these residues differ in polarity, charge, size and/or other properties. This substitution occurs at a position that is conserved across species. In silico analysis predicts this variant is probably damaging to the protein structure/function. We interpret R790G as a variant of uncertain significance.